The following is an entry in ClinVar:

ClinVar aggregate classification (germline): Pathogenic. Review status: criteria provided, multiple submitters, no conflicts (2 of 4 stars). 9 submissions from 9 submitters: Pathogenic (7). 2 of the submissions do not count toward it. Last evaluated 2025-12-26.

Conditions:
HLCS-related disorders.
Holocarboxylase synthetase deficiency. Also called: MULTIPLE CARBOXYLASE DEFICIENCY, EARLY ONSET. Identifiers: Orphanet 79242, MedGen C0268581, MONDO:0009666, OMIM 253270.

Allele frequency attached by ClinVar (database versions not stated): gnomAD 0.00003; ExAC 0.00010; gnomAD exomes 0.00006; TOPMed 0.00003.

Submissions (10):

Natera, Inc.
Classification: Pathogenic for Holocarboxylase synthetase deficiency. Last evaluated: 2025-12-26. Review status: criteria provided, single submitter. Criteria: Natera Variant Classification Schema (03/2026). Collection method: clinical testing. Allele origin: germline.
Comment: The c.1519+5G>A variant in HLCS is an intronic variant located outside the canonical splice sites. This variant is rare in the general population with a frequency below the threshold expected for the associated phenotype(s). This variant has been observed in one or more individuals affected with the associated recessive disease, as either homozygous or compound heterozygous with a second variant (PMID: 33123633, 11735028, 27114915). Computational prediction algorithms indicate this variant is likely to affect gene or protein function. Given the available evidence, this variant is classified as Pathogenic.

Variantyx, Inc.
Classification: Pathogenic for Holocarboxylase synthetase deficiency. Last evaluated: 2025-11-17. Review status: criteria provided, single submitter. Criteria: Variantyx Assertion Criteria 2022. Collection method: clinical testing. Allele origin: paternal. Inheritance: Autosomal recessive inheritance. Affected: yes.
Comment: Pathogenic variants in this gene have been associated with autosomal recessive holocarboxylase synthetase deficiency. This splicing variant leads to skipping of exon 10 resulting in a frameshift and premature termination codonand is expected to produce an abnormal protein lacking the entire ATP/biotin binding domain. Loss of function is a known mechanism of disease for HLCS in this disorder (PMID: 10653324) (PVS1). It has a 0.0069% maximum allele frequency in non-founder control populations (PM2). Based on the current evidence, this variant is classified as pathogenic for autosomal recessive holocarboxylase synthetase deficiency.

GeneDx
Classification: Pathogenic. Last evaluated: 2025-07-11. Review status: criteria provided, single submitter. Criteria: GeneDx Variant Classification Process June 2021. Collection method: clinical testing. Allele origin: germline. Affected: yes.
Comment: Not observed at significant frequency in large population cohorts (gnomAD); In silico analysis is inconclusive as to whether the variant alters gene splicing. In the absence of RNA/functional studies, the actual effect of this sequence change is unknown.; This variant is associated with the following publications: (PMID: 25525159, 10653324, 11735028, 16134170, 27114915, 33123633)

Labcorp Genetics (formerly Invitae), Labcorp
Classification: Pathogenic for Holocarboxylase synthetase deficiency. Last evaluated: 2024-03-05. Review status: criteria provided, single submitter. Criteria: Invitae Variant Classification Sherloc (09022015). Collection method: clinical testing. Allele origin: germline.
Comment: This sequence change falls in intron 8 of the HLCS gene. It does not directly change the encoded amino acid sequence of the HLCS protein. RNA analysis indicates that this variant induces altered splicing and may result in an absent or disrupted protein product. This variant is present in population databases (rs753887925, gnomAD 0.02%). This variant has been observed in individuals with olocarboxylase synthetase defficiency (PMID: 10653324, 11735028, 27114915). This variant is also known as IVS10+5G>A. ClinVar contains an entry for this variant (Variation ID: 1912). Variants that disrupt the consensus splice site are a relatively common cause of aberrant splicing (PMID: 17576681, 9536098). Studies have shown that this variant alters mRNA splicing and is expected to lead to the loss of protein expression (PMID: 10653324). For these reasons, this variant has been classified as Pathogenic.

Blueprint Genetics
Classification: Pathogenic for HLCS-related disorders. Last evaluated: 2024-02-09. Review status: criteria provided, single submitter. Criteria: ACMG Guidelines, 2015. Collection method: clinical testing. Allele origin: germline. Affected: yes. Observed: 5 variant alleles.

Fulgent Genetics
Classification: Pathogenic for Holocarboxylase synthetase deficiency. Last evaluated: 2021-07-14. Review status: criteria provided, single submitter. Criteria: ACMG Guidelines, 2015. Collection method: clinical testing. Allele origin: unknown.

Women's Health and Genetics/Laboratory Corporation of America, LabCorp
Classification: Pathogenic for Holocarboxylase synthetase deficiency. Last evaluated: 2018-08-10. Review status: criteria provided, single submitter. Criteria: LabCorp Variant Classification Summary - May 2015. Collection method: clinical testing. Allele origin: germline.
Comment: Variant summary: HLCS c.1519+5G>A alters a conserved nucleotide located close to a canonical splice site and therefore could affect mRNA splicing, leading to a significantly altered protein sequence. Several computational tools predict a significant impact on normal splicing: Two predict the variant weakens a 5' donor site, while one predicts the variant abolishes a 5' splicing donor site. At least one publication reports experimental evidence that this variant affects mRNA splicing, with skipping of exon 10 in vitro and in a homozygous patient cell line (Sakamoto_2000). In addition, assays for HCS activity in these patient fibroblasts revealed levels at 4% of control activity. The variant allele was found at a frequency of 6.9e-05 in 277238 control chromosomes (gnomAD). This frequency is not higher than expected for a pathogenic variant in HLCS causing Holocarboxylase Synthetase Deficiency (6.9e-05 vs 0.0028), allowing no conclusion about variant significance. The variant, c.1519+5G>A, has been reported in the literature in multiple individuals affected with Holocarboxylase Synthetase Deficiency and is likely a Scandinavian founder mutation (Sakamoto_2000, Yang_2001). These data indicate that the variant is very likely to be associated with disease. One clinical diagnostic laboratory has submitted clinical-significance assessments for this variant to ClinVar after 2014 and classified the variant as likely pathogenic. Based on the evidence outlined above, the variant was classified as pathogenic.

Counsyl
Classification: Likely pathogenic for Holocarboxylase synthetase deficiency. Last evaluated: 2017-11-08. Review status: no assertion criteria provided. Collection method: clinical testing. Allele origin: unknown. Not counted in ClinVar's aggregate classification.

OMIM
Classification: Pathogenic for HOLOCARBOXYLASE SYNTHETASE DEFICIENCY. Last evaluated: 2001-11-01. Review status: no assertion criteria provided. Collection method: literature only. Allele origin: germline. Not counted in ClinVar's aggregate classification.

Dr. Peter K. Rogan Lab, Western University
No classification provided (evidence only). Condition: Ovarian serous cystadenocarcinoma. Review status: no classification provided. Collection method: in vitro. Allele origin: not applicable. Functional consequence: retained intron. Not counted in ClinVar's aggregate classification.

Literature cited by the submitters: PubMed 33123633 (cited by Natera, Inc.); PubMed 11735028 (cited by 6 submitters); PubMed 27114915 (cited by 3 submitters); PubMed 10653324 (cited by 4 submitters); PubMed 17576681 (cited by Labcorp Genetics (formerly Invitae), Labcorp); PubMed 9536098 (cited by Labcorp Genetics (formerly Invitae), Labcorp).

NM_001352514.2(HLCS):c.1960+5G>A

Gene: HLCS (holocarboxylase synthetase; minus strand). Cytogenetic location: 21q22.13.
Variant type: single nucleotide variant.
Coding change: c.1960+5G>A on transcript NM_001352514.2 (MANE Select); 5 bases into the intron after coding-DNA position 1960, G replaced by A.
Molecular consequence: intron variant.
Genome position (GRCh38, 1-based): chr21:36,767,213, C>T on the plus strand (G>A on the coding strand, the complement: HLCS is on the minus strand). VCF-style: chr21-36767213-C-T. GRCh37 (hg19) VCF-style: chr21-38139514-C-T.
Other names: IVS10DS, G-A, +5; c.1519+5G>A (NM_001352517.1, NM_001242785.2, NM_001352515.2 and 5 more transcripts).
Identifiers: ClinVar variation 1912 (VCV000001912.24), dbSNP rs753887925, ClinGen allele CA278023.